The following is an entry in ClinVar:

ClinVar aggregate classification (germline): Uncertain significance (1 of 4 stars; one submission).

Allele frequency attached by ClinVar (database versions not stated): gnomAD exomes 0.00001; TOPMed 0.00001; ExAC 0.00002.
gnomAD v4.1: 10 of 1,613,484 alleles (0.00062%); highest among the groups gnomAD compares: South Asian, 0.0077%; no homozygotes.

Submission:

Labcorp Genetics (formerly Invitae), Labcorp
Classification: Uncertain significance. Last evaluated: 2022-08-10. Review status: criteria provided, single submitter. Criteria: Invitae Variant Classification Sherloc (09022015). Collection method: clinical testing. Allele origin: germline.
Comment: In summary, the available evidence is currently insufficient to determine the role of this variant in disease. Therefore, it has been classified as a Variant of Uncertain Significance. Algorithms developed to predict the effect of missense changes on protein structure and function are either unavailable or do not agree on the potential impact of this missense change (SIFT: "Deleterious"; PolyPhen-2: "Probably Damaging"; Align-GVGD: "Class C0"). This variant has not been reported in the literature in individuals affected with HMCN1-related conditions. This variant is present in population databases (rs747711798, gnomAD 0.01%). This sequence change replaces asparagine, which is neutral and polar, with serine, which is neutral and polar, at codon 1687 of the HMCN1 protein (p.Asn1687Ser).

NM_031935.3(HMCN1):c.5060A>G (p.Asn1687Ser)

Gene: HMCN1 (hemicentin 1; plus strand). Cytogenetic location: 1q31.1.
Variant type: single nucleotide variant.
Coding change: c.5060A>G on transcript NM_031935.3 (MANE Select); coding-DNA position 5060, A replaced by G.
Protein change: p.Asn1687Ser; replaces asparagine 1687 with serine.
Molecular consequence: missense variant.
Genome position (GRCh38, 1-based): chr1:186,016,108, A>G. VCF-style: chr1-186016108-A-G. GRCh37 (hg19) VCF-style: chr1-185985240-A-G.
Other names: short protein forms N1687S.
Identifiers: ClinVar variation 2088657 (VCV002088657.4), dbSNP rs747711798, ClinGen allele CA1292168.